The following is an entry in ClinVar:

ClinVar aggregate classification (germline): Likely pathogenic. Review status: criteria provided, multiple submitters, no conflicts (2 of 4 stars). 2 submissions from 2 submitters: Likely pathogenic (2). Last evaluated 2024-05-13.

Conditions:
Muscular dystrophy-dystroglycanopathy (congenital with brain and eye anomalies), type A, 4 (MDDGA4). Also called: Muscular dystrophy, congenital progressive, with mental retardation; Muscular dystrophy, congenital, with central nervous system involvement; Cerebromuscular dystrophy, Fukuyama type; Fukuyama congenital muscular dystrophy; Walker-Warburg Syndrome, Fktn-Related; Congenital muscular dystrophy-dystroglycanopathy with brain and eye anomalies, type A4. Identifiers: Orphanet 272, Orphanet 588, Orphanet 899, MedGen C0410174, MONDO:0009678, OMIM 253800.
Autosomal recessive limb-girdle muscular dystrophy type 2M. Also called: MUSCULAR DYSTROPHY-DYSTROGLYCANOPATHY (LIMB-GIRDLE), TYPE C, 4; MUSCULAR DYSTROPHY, LIMB-GIRDLE, TYPE 2M. Identifiers: Orphanet 206554, MedGen C1969040, MONDO:0012699, OMIM 611588.
Dilated cardiomyopathy 1X (CMD1X). Also called: FKTN-Related Dilated Cardiomyopathy; CARDIOMYOPATHY, DILATED, WITH MILD OR NO PROXIMAL MUSCLE WEAKNESS. Identifiers: Orphanet 154, MedGen C1969024, MONDO:0012704, OMIM 611615.
Muscular dystrophy-dystroglycanopathy (congenital without impaired intellectual development), type B, 4. Also called: MUSCULAR DYSTROPHY, CONGENITAL, FKTN-RELATED; Muscular dystrophy-dystroglycanopathy (congenital without intellectual disability), type B4. Identifiers: MedGen C2751052, MONDO:0013156, OMIM 613152.

gnomAD v4.1: 1 of 1,580,084 alleles (0.000063%); highest among the groups gnomAD compares: Non-Finnish European, 0.000087%; no homozygotes.

Submissions (2):

Fulgent Genetics
Classification: Likely pathogenic for Muscular dystrophy-dystroglycanopathy (congenital with brain and eye anomalies), type A, 4; Autosomal recessive limb-girdle muscular dystrophy type 2M; Dilated cardiomyopathy 1X; Muscular dystrophy-dystroglycanopathy (congenital without impaired intellectual development), type B, 4. Last evaluated: 2024-05-13. Review status: criteria provided, single submitter. Criteria: ACMG Guidelines, 2015. Collection method: clinical testing. Allele origin: germline.

Women's Health and Genetics/Laboratory Corporation of America, LabCorp
Classification: Likely pathogenic for Muscular dystrophy-dystroglycanopathy (congenital with brain and eye anomalies), type A, 4. Last evaluated: 2024-05-13. Review status: criteria provided, single submitter. Criteria: LabCorp Variant Classification Summary - May 2015. Collection method: clinical testing. Allele origin: germline.
Comment: Variant summary: FKTN c.915G>C (p.Trp305Cys) results in a non-conservative amino acid change in the encoded protein sequence. Five of five in-silico tools predict a damaging effect of the variant on protein function. The variant was absent in 248604 control chromosomes. c.915G>C has been reported in the literature in the homozygous and compound heterozygous states in individuals affected with congenital muscular dystrophy (e.g. Yis_2011, Ceyhan-Birsoy_2015). These data indicate that the variant is likely to be associated with disease. At least one publication reports experimental evidence showing tha this variant does not imapct localization (e.g. Tachikawa_2023). No submitters have cited clinical-significance assessments for this variant to ClinVar. Based on the evidence outlined above, the variant was classified as likely pathogenic.

Literature cited by the submitters: PubMed 25821721 (cited by Women's Health and Genetics/Laboratory Corporation of America, LabCorp); PubMed 20961758 (cited by Women's Health and Genetics/Laboratory Corporation of America, LabCorp); PubMed 22275357 (cited by Women's Health and Genetics/Laboratory Corporation of America, LabCorp).

NM_001079802.2(FKTN):c.915G>C (p.Trp305Cys)

Gene: FKTN (fukutin; plus strand). Cytogenetic location: 9q31.2.
Variant type: single nucleotide variant.
Coding change: c.915G>C on transcript NM_001079802.2 (MANE Select); coding-DNA position 915, G replaced by C.
Protein change: p.Trp305Cys; replaces tryptophan 305 with cysteine.
Molecular consequence: missense variant. On other transcripts: non-coding transcript variant (1).
Genome position (GRCh38, 1-based): chr9:105,617,963, G>C. VCF-style: chr9-105617963-G-C. GRCh37 (hg19) VCF-style: chr9-108380244-G-C.
Other names: c.915G>C, p.Trp305Cys (NM_001198963.2, NM_001351496.2, NM_001351498.2 and 1 more transcripts); c.846G>C, p.Trp282Cys (NM_001351497.2); c.519G>C, p.Trp173Cys (NM_001351499.2, NM_001351500.2, NM_001351501.2 and 1 more transcripts); short protein forms W173C, W282C, W305C.
Identifiers: ClinVar variation 3335983 (VCV003335983.2).
Genomic context (GRCh38, chr9:105,617,963, plus strand): 5'-ATAACTAATTTTTTCCAAACCTAAATTTTGTTAAAAAAATTTAATCTTCTTTTTAGGATG[G>C]TATCGACAATGCAACATTATTCCTTATAGCAAAGATGTTGACCTAGGAATTTTTATACAA-3'
Protein context (NP_001073270.1, residues 295-315): FWLSSGTCLG[Trp305Cys]YRQCNIIPYS